The following is an entry in ClinVar:

ClinVar aggregate classification (germline): Uncertain significance. Review status: criteria provided, multiple submitters, no conflicts (2 of 4 stars). 2 submissions from 2 submitters: Uncertain significance (2). Last evaluated 2025-08-27.

Conditions:
Inborn genetic diseases. Identifiers: MedGen C0950123, MeSH D030342.

Allele frequency attached by ClinVar (database versions not stated): gnomAD 0.00002; ExAC 0.00003; gnomAD exomes 0.00003; TOPMed 0.00004.
gnomAD v4.1: 42 of 1,613,866 alleles (0.0026%); highest among the groups gnomAD compares: African/African-American, 0.004%; no homozygotes.

Submissions (2):

Ambry Genetics
Classification: Uncertain significance for Inborn genetic diseases. Last evaluated: 2025-08-27. Review status: criteria provided, single submitter. Criteria: Ambry Variant Classification Scheme 2023. Collection method: clinical testing. Allele origin: germline.

Labcorp Genetics (formerly Invitae), Labcorp
Classification: Uncertain significance. Last evaluated: 2024-12-02. Review status: criteria provided, single submitter. Criteria: Invitae Variant Classification Sherloc (09022015). Collection method: clinical testing. Allele origin: germline.
Comment: This sequence change replaces threonine, which is neutral and polar, with serine, which is neutral and polar, at codon 2873 of the PCLO protein (p.Thr2873Ser). This variant is present in population databases (rs753205355, gnomAD 0.004%). This variant has not been reported in the literature in individuals affected with PCLO-related conditions. ClinVar contains an entry for this variant (Variation ID: 1907659). Experimental studies and prediction algorithms are not available or were not evaluated, and the functional significance of this variant is currently unknown. In summary, the available evidence is currently insufficient to determine the role of this variant in disease. Therefore, it has been classified as a Variant of Uncertain Significance.

NM_033026.6(PCLO):c.8618C>G (p.Thr2873Ser)

Gene: PCLO (piccolo presynaptic cytomatrix protein; minus strand). Cytogenetic location: 7q21.11.
Variant type: single nucleotide variant.
Coding change: c.8618C>G on transcript NM_033026.6 (MANE Select); coding-DNA position 8618, C replaced by G.
Protein change: p.Thr2873Ser; replaces threonine 2873 with serine.
Molecular consequence: missense variant.
Genome position (GRCh38, 1-based): chr7:82,952,335, G>C on the plus strand (C>G on the coding strand, the complement: PCLO is on the minus strand). VCF-style: chr7-82952335-G-C. GRCh37 (hg19) VCF-style: chr7-82581651-G-C.
Other names: c.8618C>G, p.Thr2873Ser (NM_014510.3); c.8618C>G (NM_033026.5); short protein forms T2873S.
Identifiers: ClinVar variation 1907659 (VCV001907659.8), dbSNP rs753205355, ClinGen allele CA4320095.
Genomic context (GRCh38, chr7:82,952,335, plus strand): 5'-GTGATTCCCTGGGATACGGTGCTATCAGTCCATCCATTTGTGACACCAACAGGAGGCACA[G>C]TGACAGGTTTTGTAATAGCCAATGTCACTGCATGTGCTGGAGTACCTAGAGATAAGTTTA-3'
Protein context (NP_149015.2, residues 2863-2883): AVTLAITKPV[Thr2873Ser]VPPVGVTNGW